The following is an entry in ClinVar:

NM_004629.2(FANCG):c.278C>T (p.Ala93Val)

Gene: FANCG (FA complementation group G; minus strand). Cytogenetic location: 9p13.3.
Variant type: single nucleotide variant.
Coding change: c.278C>T on transcript NM_004629.2 (MANE Select); coding-DNA position 278, C replaced by T.
Protein change: p.Ala93Val; replaces alanine 93 with valine.
Molecular consequence: missense variant.
Genome position (GRCh38, 1-based): chr9:35,078,634, G>A on the plus strand (C>T on the coding strand, the complement: FANCG is on the minus strand). VCF-style: chr9-35078634-G-A. GRCh37 (hg19) VCF-style: chr9-35078631-G-A.
Other names: short protein forms A93V.
Identifiers: ClinVar variation 3512855 (VCV003512855.1).

ClinVar aggregate classification (germline): Uncertain significance (1 of 4 stars; one submission).

Conditions:
Inborn genetic diseases. Identifiers: MedGen C0950123, MeSH D030342.

Submission:

Ambry Genetics
Classification: Uncertain significance for Inborn genetic diseases. Last evaluated: 2024-11-30. Review status: criteria provided, single submitter. Criteria: Ambry Variant Classification Scheme 2023. Collection method: clinical testing. Allele origin: germline.
Comment: The p.A93V variant (also known as c.278C>T), located in coding exon 3 of the FANCG gene, results from a C to T substitution at nucleotide position 278. The alanine at codon 93 is replaced by valine, an amino acid with similar properties. This amino acid position is conserved. In addition, this alteration is predicted to be tolerated by in silico analysis. Based on the available evidence, the clinical significance of this variant remains unclear.